The following is an entry in ClinVar:

NM_000432.4(MYL2):c.496G>C (p.Asp166His)

Gene: MYL2 (myosin light chain 2; minus strand). Cytogenetic location: 12q24.11.
Variant type: single nucleotide variant.
Coding change: c.496G>C on transcript NM_000432.4 (MANE Select); coding-DNA position 496, G replaced by C.
Protein change: p.Asp166His; replaces aspartic acid 166 with histidine.
Molecular consequence: missense variant.
Genome position (GRCh38, 1-based): chr12:110,911,082, C>G on the plus strand (G>C on the coding strand, the complement: MYL2 is on the minus strand). VCF-style: chr12-110911082-C-G. GRCh37 (hg19) VCF-style: chr12-111348886-C-G.
Other names: short protein forms D166H.
Identifiers: ClinVar variation 1502291 (VCV001502291.8), dbSNP rs730880952, ClinGen allele CA386696689.

ClinVar aggregate classification (germline): Uncertain significance (1 of 4 stars; one submission).

Conditions:
Hypertrophic cardiomyopathy 10. Also called: CARDIOMYOPATHY, HYPERTROPHIC, MID-LEFT VENTRICULAR CHAMBER TYPE, 2; MYL2-Related Familial Hypertrophic Cardiomyopathy. Identifiers: MedGen C1834460, MONDO:0012112, OMIM 608758.

Submission:

Labcorp Genetics (formerly Invitae), Labcorp
Classification: Uncertain significance for Hypertrophic cardiomyopathy 10. Last evaluated: 2021-03-23. Review status: criteria provided, single submitter. Criteria: Invitae Variant Classification Sherloc (09022015). Collection method: clinical testing. Allele origin: germline.
Comment: In summary, the available evidence is currently insufficient to determine the role of this variant in disease. Therefore, it has been classified as a Variant of Uncertain Significance. Algorithms developed to predict the effect of missense changes on protein structure and function are either unavailable or do not agree on the potential impact of this missense change (SIFT: "Deleterious"; PolyPhen-2: "Probably Damaging"; Align-GVGD: "Class C0"). This variant has been observed in individual(s) with hypertrophic cardiomyopathy (PMID: 24793961). This variant is not present in population databases (ExAC no frequency). This sequence change replaces aspartic acid with histidine at codon 166 of the MYL2 protein (p.Asp166His). The aspartic acid residue is moderately conserved and there is a moderate physicochemical difference between aspartic acid and histidine.

Literature cited by the submitters: PubMed 24793961.